The following is an entry in ClinVar:

ClinVar aggregate classification (germline): Likely benign. Review status: criteria provided, multiple submitters, no conflicts (2 of 4 stars). 3 submissions from 3 submitters: Likely benign (3). Last evaluated 2025-07-31.

Conditions:
Pheochromocytoma. Also called: MAX-Related Hereditary Paraganglioma-Pheochromocytoma Syndrome. Identifiers: Orphanet 29072, MedGen C0031511, MONDO:0008233, OMIM 171300, HP:0002666.
Pheochromocytoma/paraganglioma syndrome 4. Also called: SDHB-Related Hereditary Paraganglioma-Pheochromocytoma Syndrome (Paragangliomas 4); CAROTID BODY TUMORS AND MULTIPLE EXTRAADRENAL PHEOCHROMOCYTOMAS; PARAGANGLIOMA, FAMILIAL MALIGNANT; PARAGANGLIOMAS, HEREDITARY EXTRAADRENAL; SDHB-Related Hereditary Paraganglioma-Pheochromocytoma Syndrome; PHEOCHROMOCYTOMA, FAMILIAL EXTRAADRENAL. Identifiers: Orphanet 29072, MedGen C1861848, MONDO:0007273, OMIM 115310.
Gastrointestinal stromal tumor. Also called: Gastrointestinal stroma tumor; Gastrointestinal stromal tumor, somatic. Identifiers: Orphanet 44890, MedGen C0238198, MeSH D046152, MONDO:0011719, OMIM 606764, HP:0100723.
Hereditary pheochromocytoma and paraganglioma. Also called: Hereditary Paraganglioma-Pheochromocytoma Syndromes; Hereditary paragangliomas and pheochromocytomas; Hereditary pheochromocytoma-paraganglioma. Identifiers: Orphanet 29072, MedGen C4274332, MONDO:0017366.

Submissions (3):

Labcorp Genetics (formerly Invitae), Labcorp
Classification: Likely benign for Gastrointestinal stromal tumor; Pheochromocytoma/paraganglioma syndrome 4; Pheochromocytoma. Last evaluated: 2025-07-31. Review status: criteria provided, single submitter. Criteria: Invitae Variant Classification Sherloc (09022015). Collection method: clinical testing. Allele origin: germline.

Myriad Genetics, Inc.
Classification: Likely benign for Pheochromocytoma/paraganglioma syndrome 4. Last evaluated: 2025-03-13. Review status: criteria provided, single submitter. Criteria: Myriad Autosomal Dominant, Autosomal Recessive and X-Linked Classification Criteria (2023). Collection method: clinical testing. Allele origin: unknown.
Comment: This variant is considered likely benign. This variant is intronic and is not expected to impact mRNA splicing.

All of Us Research Program, National Institutes of Health
Classification: Likely benign for Hereditary pheochromocytoma and paraganglioma. Last evaluated: 2022-12-27. Review status: criteria provided, single submitter. Criteria: ACMG Guidelines, 2015. Collection method: clinical testing. Allele origin: germline. Inheritance: Autosomal dominant inheritance. Observed: 1 variant allele, 1 heterozygote.
Comment: This study involves interpretation of variants in research participants for the purpose of population health screening. Participant phenotype was not available at the time of variant classification. Additional details can be found in publication PMID: 35346344, PMCID: PMC8962531

NM_003000.3(SDHB):c.541-18_541-8dup

Gene: SDHB (succinate dehydrogenase complex iron sulfur subunit B; minus strand). Cytogenetic location: 1p36.13.
Variant type: Duplication.
Coding change: c.541-18_541-8dup on transcript NM_003000.3 (MANE Select); 18 bases into the intron before coding-DNA position 541 through 8 bases into the intron before coding-DNA position 541, 11 bases duplicated (TCTTTTCTCCC).
Molecular consequence: intron variant.
Genome position (GRCh38, 1-based): chr1:17,024,082-17,024,092, GGGAGAAAAGA duplicated on the plus strand (TCTTTTCTCCC on the coding strand, the reverse complement: SDHB is on the minus strand); duplicating any 11 consecutive bases within chr1:17,024,082-17,024,093 gives the same sequence; the c. name uses the placement nearest the transcript's 3' end. VCF-style (leftmost placement, unchanged base first): chr1-17024081-G-GGGGAGAAAAGA. GRCh37 (hg19) VCF-style: chr1-17350576-G-GGGGAGAAAAGA.
Other names: c.541-18_541-8dupTCTTTTCTCCC (NM_003000.2).
Identifiers: ClinVar variation 459155 (VCV000459155.9), dbSNP rs1553177448, ClinGen allele CA658656887.
Genomic context (GRCh38, chr1:17,024,081, plus strand): 5'-GCTGGGGCAGCTGGTGCTACAGCAGGCACAGAGAATGCACTCGTAGAGCCCGTCCTGTAT[G>GGGGAGAAAAGA]GGGAGAAAAGAGAGGCAGGAGCTTGTGACGGGAGAGACTCTGCTATGTCTTCAGCTGATT-3'